The following is an entry in ClinVar:

ClinVar aggregate classification (germline): Uncertain significance (1 of 4 stars; one submission).

Submission:

Labcorp Genetics (formerly Invitae), Labcorp
Classification: Uncertain significance. Last evaluated: 2022-08-30. Review status: criteria provided, single submitter. Criteria: Invitae Variant Classification Sherloc (09022015). Collection method: clinical testing. Allele origin: germline.
Comment: This variant is not present in population databases (gnomAD no frequency). This sequence change replaces arginine, which is basic and polar, with leucine, which is neutral and non-polar, at codon 136 of the NYX protein (p.Arg136Leu). This variant has not been reported in the literature in individuals affected with NYX-related conditions. Algorithms developed to predict the effect of missense changes on protein structure and function (SIFT, PolyPhen-2, Align-GVGD) all suggest that this variant is likely to be disruptive. In summary, the available evidence is currently insufficient to determine the role of this variant in disease. Therefore, it has been classified as a Variant of Uncertain Significance.

NM_001378477.3(NYX):c.392G>T (p.Arg131Leu)

Gene: NYX (nyctalopin; plus strand). Cytogenetic location: Xp11.4.
Variant type: single nucleotide variant.
Coding change: c.392G>T on transcript NM_001378477.3 (MANE Select); coding-DNA position 392, G replaced by T.
Protein change: p.Arg131Leu; replaces arginine 131 with leucine.
Molecular consequence: missense variant.
Genome position (GRCh38, 1-based): chrX:41,473,860, G>T. VCF-style: chrX-41473860-G-T. GRCh37 (hg19) VCF-style: chrX-41333113-G-T.
Other names: c.392G>T, p.Arg131Leu (NM_022567.3); short protein forms R131L.
Identifiers: ClinVar variation 1718401 (VCV001718401.5), dbSNP rs2519607178, ClinGen allele CA412990135.